The following is an entry in ClinVar:

NM_001048174.2(MUTYH):c.834C>G (p.Cys278Trp)

Gene: MUTYH (mutY DNA glycosylase; minus strand). Cytogenetic location: 1p34.1.
Variant type: single nucleotide variant.
Coding change: c.834C>G on transcript NM_001048174.2 (MANE Select); coding-DNA position 834, C replaced by G.
Protein change: p.Cys278Trp; replaces cysteine 278 with tryptophan.
Molecular consequence: missense variant. On other transcripts: non-coding transcript variant (2).
Genome position (GRCh38, 1-based): chr1:45,332,181, G>C on the plus strand (C>G on the coding strand, the complement: MUTYH is on the minus strand). VCF-style: chr1-45332181-G-C. GRCh37 (hg19) VCF-style: chr1-45797853-G-C.
Other names: p.C306W:TGC>TGG; c.834C>G, p.Cys278Trp (NM_001048171.2, NM_001048173.2, NM_001293195.2); c.837C>G, p.Cys279Trp (NM_001048172.2); c.918C>G, p.Cys306Trp (NM_001128425.2); c.879C>G, p.Cys293Trp (NM_001293190.2); c.867C>G, p.Cys289Trp (NM_001293191.2); c.558C>G, p.Cys186Trp (NM_001293192.2, NM_001293196.2); c.489C>G, p.Cys163Trp (NM_001350650.2, NM_001350651.2); and 1 more; short protein forms C306W, C163W, C186W, C278W, C279W, C289W, C293W, C303W.
Identifiers: ClinVar variation 182693 (VCV000182693.23), dbSNP rs730881834, ClinGen allele CA014594.

ClinVar aggregate classification (germline): Conflicting classifications of pathogenicity. Review status: criteria provided, conflicting classifications (1 of 4 stars). 8 submissions from 8 submitters: Pathogenic (1); Likely pathogenic (4); Uncertain significance (3). Last evaluated 2026-07-29.

Conditions:
Hereditary cancer-predisposing syndrome. Also called: Hereditary Cancer Syndrome; Tumor predisposition; Neoplastic Syndromes, Hereditary; Hereditary neoplastic syndrome. Identifiers: Orphanet 140162, MedGen C0027672, MeSH D009386, MONDO:0015356.
Familial adenomatous polyposis 2. Also called: MUTYH-associated polyposis; MUTYH Polyposis; Adenomas, multiple colorectal; FAP type 2; ADENOMAS, MULTIPLE COLORECTAL, AUTOSOMAL RECESSIVE; COLORECTAL ADENOMATOUS POLYPOSIS, AUTOSOMAL RECESSIVE. Identifiers: Orphanet 220460, Orphanet 247798, MedGen C3272841, MONDO:0012041, OMIM 608456.

Allele frequency attached by ClinVar (database versions not stated): gnomAD exomes below 0.00001; TOPMed 0.00001.

Submissions (8):

Myriad Genetics, Inc.
Classification: Likely pathogenic for Familial adenomatous polyposis 2. Last evaluated: 2026-07-29. Review status: criteria provided, single submitter. Criteria: Myriad Autosomal Dominant, Autosomal Recessive and X-Linked Classification Criteria (2023). Collection method: clinical testing. Allele origin: unknown.
Comment: This variant is considered likely pathogenic. This variant is expected to disrupt protein structure [Myriad internal data]. Functional studies indicate this variant impacts protein function [PMID: 40738107, 29915346, 40234396].

Ambry Genetics
Classification: Pathogenic for Hereditary cancer-predisposing syndrome. Last evaluated: 2025-10-29. Review status: criteria provided, single submitter. Criteria: Ambry Variant Classification Scheme 2023. Collection method: clinical testing. Allele origin: germline.
Comment: The p.C306W pathogenic mutation (also known as c.918C>G), located in coding exon 10 of the MUTYH gene, results from a C to G substitution at nucleotide position 918. The cysteine at codon 306 is replaced by tryptophan, an amino acid with highly dissimilar properties. This variant has been identified in conjunction with pathogenic MUTYH founder mutations in probands with colonic polyposis and the variants were confirmed to be in trans in one of the cases (Ambry internal data, McDonnell KJ et al. Nat Chem, 2018 08;10:873-880). Furthermore, functional studies demonstrated severely reduced glycosylase activity and decreased DNA binding compared to wild type MUTYH, which was reported to be the result of reduced iron binding (McDonnell KJ et al. Nat Chem, 2018 08;10:873-880). Additionally, a study describing redox signaling interactions of DNA-processing [4Fe4S] enzymes found that this variant reduced DNA-bound redox activity, and was destabilizing, leading to rapid oxidative degradation of the [4Fe4S] cluster to the [3Fe-4S]+ species on a DNA electrode (Barton JK et al. Annu. Rev. Biochem., 2019 06;88:163-190). Based on internal structural analysis using a published crystal structure, this variant is anticipated to result in a significant decrease in structural stability and metal binding (Luncsford PJ et al. J. Mol. Biol., 2010 Oct;403:351-70). This variant is considered to be rare based on population cohorts in the Genome Aggregation Database (gnomAD). This amino acid position is highly conserved in available vertebrate species. In addition, this alteration is predicted to be deleterious by in silico analysis. Based on the supporting evidence, this variant is interpreted as a disease-causing mutation.

Labcorp Genetics (formerly Invitae), Labcorp
Classification: Uncertain significance for Familial adenomatous polyposis 2. Last evaluated: 2025-06-02. Review status: criteria provided, single submitter. Criteria: Invitae Variant Classification Sherloc (09022015). Collection method: clinical testing. Allele origin: germline.
Comment: This sequence change replaces cysteine, which is neutral and slightly polar, with tryptophan, which is neutral and slightly polar, at codon 306 of the MUTYH protein (p.Cys306Trp). This variant is not present in population databases (gnomAD no frequency). This missense change has been observed in individual(s) with colon polyps (PMID: 29915346). ClinVar contains an entry for this variant (Variation ID: 182693). An algorithm developed to predict the effect of missense changes on protein structure and function (PolyPhen-2) suggests that this variant is likely to be disruptive. Experimental studies have shown that this missense change affects MUTYH function (PMID: 29915346). In summary, the available evidence is currently insufficient to determine the role of this variant in disease. Therefore, it has been classified as a Variant of Uncertain Significance.

Baylor Genetics
Classification: Uncertain significance for Familial adenomatous polyposis 2. Last evaluated: 2024-01-26. Review status: criteria provided, single submitter. Criteria: ACMG Guidelines, 2015. Collection method: clinical testing. Allele origin: unknown.

All of Us Research Program, National Institutes of Health
Classification: Likely pathogenic for Familial adenomatous polyposis 2. Last evaluated: 2023-02-24. Review status: criteria provided, single submitter. Criteria: ACMG Guidelines, 2015. Collection method: clinical testing. Allele origin: germline. Inheritance: Autosomal recessive inheritance. Observed: 1 variant allele, 1 heterozygote.
Comment: This missense variant replaces cysteine with tryptophan at codon 306 of the MUTYH protein. Computational prediction suggests that this variant may have deleterious impact on protein structure and function (internally defined REVEL score threshold >= 0.7, PMID: 27666373). Functional studies have shown that this variant results in markedly reduced glycosylase activity and decreased DNA binding compared to wild type MUTYH protein (PMID: 29915346, 31220976). This variant has been reported in trans with a pathogenic MUTYH co-variant, c.1187G>A (p.Gly396Asp), in an individual with colonic polyposis and significant family history of colon cancer (PMID 29915346). This variant has also been reported in an individual affected with breast cancer (PMID: 33471991). This variant has not been identified in the general population by the Genome Aggregation Database (gnomAD). Based on the available evidence, this variant is classified as Likely Pathogenic.

This study involves interpretation of variants in research participants for the purpose of population health screening. Participant phenotype was not available at the time of variant classification. Additional details can be found in publication PMID: 35346344, PMCID: PMC8962531

Color Diagnostics, LLC DBA Color Health
Classification: Likely pathogenic for Hereditary cancer-predisposing syndrome. Last evaluated: 2023-02-01. Review status: criteria provided, single submitter. Criteria: ACMG Guidelines, 2015. Collection method: clinical testing. Allele origin: germline.
Comment: This missense variant replaces cysteine with tryptophan at codon 306 of the MUTYH protein. Computational prediction suggests that this variant may have deleterious impact on protein structure and function (internally defined REVEL score threshold >= 0.7, PMID: 27666373). Functional studies have shown that this variant results in markedly reduced glycosylase activity and decreased DNA binding compared to wild type MUTYH protein (PMID: 29915346, 31220976). This variant has been reported in trans with a pathogenic MUTYH co-variant, c.1187G>A (p.Gly396Asp), in an individual with colonic polyposis and significant family history of colon cancer (PMID 29915346). This variant has also been reported in an individual affected with breast cancer (PMID: 33471991). This variant has not been identified in the general population by the Genome Aggregation Database (gnomAD). Based on the available evidence, this variant is classified as Likely Pathogenic.

Sema4
Classification: Likely pathogenic for Hereditary cancer-predisposing syndrome. Last evaluated: 2021-07-03. Review status: criteria provided, single submitter. Criteria: Sema4 Curation Guidelines. Collection method: curation. Allele origin: germline.
Comment: The MUTYH c.918C>G (p.C306W) variant has been reported as compound heterozygous in at least one individual with colon polyposis (PMID: 29915346). It has also been reported in one patient and one control in a breast cancer case-control study (PMID: 33471991). It was not observed in the large and broad cohorts of the Genome Aggregation Database (PMID: 32461654). The variant has been reported in ClinVar (Variation ID 182693). In silico tools suggest the impact of the variant on protein function is deleterious, and functional studies have shown a near absense of glycosylase activity and DNA binding (PMID: 29915346). The evidence is insufficient to meet ACMG/AMP criteria for classifying the variant as benign or pathogenic. Thus, the clinical significance of this variant is likely pathogenic.

GeneDx
Classification: Uncertain significance. Last evaluated: 2014-08-18. Review status: criteria provided, single submitter. Criteria: GeneDx Variant Classification (06012015). Collection method: clinical testing. Allele origin: germline. Affected: yes.
Comment: This variant is denoted MUTYH c.918C>G at the cDNA level, p.Cys306Trp (C306W) at the protein level, and results in the change of a Cysteine to a Tryptophan (TGC>TGG). This variant has not, to our knowledge, been published in the literature as pathogenic or benign. MUTYH Cys306Trp was not observed in approximately 6,500 individuals of European and African American ancestry in the NHLBI Exome Sequencing Project, indicating it is not a common benign variant in these populations. Since Cysteine and Tryptophan differ in polarity, charge, size or other properties, this is considered a non-conservative amino acid substitution. MUTYH Cys306Trp occurs at a position that is conserved across species and is located in the FeS cluster region (Ruggieri 2013). In silico analyses predict that this variant is probably damaging to protein structure and function. Based on currently available information, it is unclear whether MUTYH Cys306Trp is pathogenic or benign. We consider it to be a variant of uncertain significance.

Literature cited by the submitters: PubMed 40738107 (cited by Myriad Genetics, Inc.); PubMed 29915346 (cited by 6 submitters); PubMed 40234396 (cited by Myriad Genetics, Inc.); PubMed 18433509 (cited by Ambry Genetics); PubMed 20816984 (cited by Ambry Genetics); PubMed 21078199 (cited by Ambry Genetics); PubMed 31220976 (cited by 3 submitters); PubMed 33471991 (cited by 3 submitters).